The following is an entry in ClinVar:

NM_080680.3(COL11A2):c.1427C>T (p.Ala476Val)

Gene: COL11A2 (collagen type XI alpha 2 chain; minus strand). Cytogenetic location: 6p21.32.
Variant type: single nucleotide variant.
Coding change: c.1427C>T on transcript NM_080680.3 (MANE Select); coding-DNA position 1427, C replaced by T.
Protein change: p.Ala476Val; replaces alanine 476 with valine.
Molecular consequence: missense variant.
Genome position (GRCh38, 1-based): chr6:33,179,738, G>A on the plus strand (C>T on the coding strand, the complement: COL11A2 is on the minus strand). VCF-style: chr6-33179738-G-A. GRCh37 (hg19) VCF-style: chr6-33147515-G-A.
Other names: c.1106C>T, p.Ala369Val (NM_080679.3); c.1169C>T, p.Ala390Val (NM_080681.3); short protein forms A476V, A390V, A369V.
Identifiers: ClinVar variation 179347 (VCV000179347.14), dbSNP rs373983482, ClinGen allele CA184243.

ClinVar aggregate classification (germline): Conflicting classifications of pathogenicity. Review status: criteria provided, conflicting classifications (1 of 4 stars). 4 submissions from 4 submitters: Uncertain significance (2); Likely benign (2). Last evaluated 2025-05-13.

Conditions:
Inborn genetic diseases. Identifiers: MedGen C0950123, MeSH D030342.

Allele frequency attached by ClinVar (database versions not stated): TOPMed 0.00002.
gnomAD v4.1: 88 of 1,611,866 alleles (0.0055%); highest among the groups gnomAD compares: South Asian, 0.08%; 1 homozygote.

Submissions (4):

Labcorp Genetics (formerly Invitae), Labcorp
Classification: Likely benign. Last evaluated: 2025-05-13. Review status: criteria provided, single submitter. Criteria: Invitae Variant Classification Sherloc (09022015). Collection method: clinical testing. Allele origin: germline.

Ambry Genetics
Classification: Uncertain significance for Inborn genetic diseases. Last evaluated: 2025-04-30. Review status: criteria provided, single submitter. Criteria: Ambry Variant Classification Scheme 2023. Collection method: clinical testing. Allele origin: germline.

Blueprint Genetics
Classification: Likely benign. Last evaluated: 2024-01-03. Review status: criteria provided, single submitter. Criteria: ACMG Guidelines, 2015. Collection method: clinical testing. Allele origin: germline.

Laboratory for Molecular Medicine, Mass General Brigham Personalized Medicine
Classification: Uncertain significance. Last evaluated: 2013-11-06. Review status: criteria provided, single submitter. Criteria: LMM Criteria. Collection method: clinical testing. Allele origin: germline. Observed: 1 variant allele.
Comment: The Ala476Val variant in COL11A2 has not been reported in individuals with heari ng loss or in large population studies. Computational analyses (biochemical amin o acid properties, conservation, AlignGVGD, PolyPhen2, and SIFT) do not provide strong evidence for or against an impact to the protein. In summary, additional data is needed to determine the clinical significance of this variant.